The following is an entry in ClinVar:

ClinVar aggregate classification (germline): Pathogenic. Review status: criteria provided, single submitter (1 of 4 stars). 2 submissions from 2 submitters: Pathogenic (1). 1 of the submissions does not count toward it. Last evaluated 2018-03-23.

Conditions:
Gastric cancer. Also called: Stomach cancer; Malignant tumor of stomach. Identifiers: MedGen C0024623, MeSH D013274, MONDO:0001056, OMIM 613659, HP:0012126.
Hereditary cancer-predisposing syndrome. Also called: Neoplastic Syndromes, Hereditary; Tumor predisposition; Hereditary Cancer Syndrome; Hereditary neoplastic syndrome. Identifiers: Orphanet 140162, MedGen C0027672, MeSH D009386, MONDO:0015356.

Submissions (2):

Ambry Genetics
Classification: Pathogenic for Hereditary cancer-predisposing syndrome. Last evaluated: 2018-03-23. Review status: criteria provided, single submitter. Criteria: Ambry Variant Classification Scheme 2023. Collection method: clinical testing. Allele origin: germline.
Comment: The c.1813delA pathogenic mutation, located in coding exon 4 of the MSH6 gene, results from a deletion of one nucleotide at nucleotide position 1813, causing a translational frameshift with a predicted alternate stop codon (p.T605Lfs*5). This alteration is expected to result in loss of function by premature protein truncation or nonsense-mediated mRNA decay. As such, this alteration is interpreted as a disease-causing mutation.

Laboratory for Genotyping Development, RIKEN
Classification: Pathogenic for Gastric cancer. Last evaluated: 2021-07-01. Review status: no assertion criteria provided. Collection method: research. Allele origin: germline. Not counted in ClinVar's aggregate classification.

Literature cited by the submitters: PubMed 36988593 (cited by Laboratory for Genotyping Development, RIKEN).

NM_000179.3(MSH6):c.1813del (p.Thr605fs)

Gene: MSH6 (mutS homolog 6; plus strand). Cytogenetic location: 2p16.3.
Variant type: Deletion.
Coding change: c.1813del on transcript NM_000179.3 (MANE Select); coding-DNA position 1813, one base deleted (A; older notation c.1813delA).
Protein change: p.Thr605fs; shifts the reading frame from threonine 605.
Molecular consequence: frameshift variant.
Genome position (GRCh38, 1-based): chr2:47,799,796, A deleted; the last of 3 consecutive A bases (chr2:47,799,794-47,799,796); deleting any one gives the same sequence. VCF-style (leftmost placement, unchanged base first): chr2-47799793-GA-G. GRCh37 (hg19) VCF-style: chr2-48026932-GA-G.
Other names: c.1819delA, p.Thr607Leufs (NM_001406813.1); c.907delA, p.Thr303Leufs (NM_001406814.1, NM_001406815.1, NM_001406816.1 and 4 more transcripts); c.1516delA, p.Thr506Leufs (NM_001406818.1, NM_001406819.1, NM_001406820.1 and 10 more transcripts); c.1645delA, p.Thr549Leufs (NM_001406826.1); c.1423del, p.Thr475fs (NM_001281492.2); c.907del, p.Thr303fs (NM_001281493.2, NM_001281494.2); c.1909delA, p.Thr637Leufs (NM_001406795.1, NM_001406802.1); c.1813delA, p.Thr605Leufs (NM_001406796.1, NM_001406798.1, NM_001406800.1 and 3 more transcripts); and 2 more; short protein forms T303fs, T605fs, T475fs.
Identifiers: ClinVar variation 1780626 (VCV001780626.20), dbSNP rs2530631576, ClinGen allele CA2580067701.